The following is an entry in ClinVar:

ClinVar aggregate classification (germline): Uncertain significance. Review status: criteria provided, multiple submitters, no conflicts (2 of 4 stars). 2 submissions from 2 submitters: Uncertain significance (2). Last evaluated 2024-03-30.

Conditions:
Nonpapillary renal cell carcinoma. Identifiers: Orphanet 422526, MedGen CN074294, MONDO:0007763, OMIM 144700.
Type 2 diabetes mellitus. Also called: Type II diabetes mellitus. Identifiers: MedGen C0011860, MeSH D003924, MONDO:0005148, OMIM 125853, HP:0005978.
Renal cysts and diabetes syndrome (RCAD). Also called: Familial hypoplastic, glomerulocystic kidney; MATURITY-ONSET DIABETES OF THE YOUNG, TYPE 5. Identifiers: Orphanet 93111, MedGen C0431693, MONDO:0007669, OMIM 137920.

Submissions (2):

Fulgent Genetics
Classification: Uncertain significance for Type 2 diabetes mellitus; Renal cysts and diabetes syndrome; Nonpapillary renal cell carcinoma. Last evaluated: 2024-03-30. Review status: criteria provided, single submitter. Criteria: ACMG Guidelines, 2015. Collection method: clinical testing. Allele origin: germline.

Labcorp Genetics (formerly Invitae), Labcorp
Classification: Uncertain significance. Last evaluated: 2023-09-07. Review status: criteria provided, single submitter. Criteria: Invitae Variant Classification Sherloc (09022015). Collection method: clinical testing. Allele origin: germline.
Comment: This variant is not present in population databases (gnomAD no frequency). This sequence change replaces asparagine, which is neutral and polar, with histidine, which is basic and polar, at codon 509 of the HNF1B protein (p.Asn509His). This variant has not been reported in the literature in individuals affected with HNF1B-related conditions. ClinVar contains an entry for this variant (Variation ID: 2109362). Advanced modeling of protein sequence and biophysical properties (such as structural, functional, and spatial information, amino acid conservation, physicochemical variation, residue mobility, and thermodynamic stability) performed at Invitae indicates that this missense variant is not expected to disrupt HNF1B protein function. In summary, the available evidence is currently insufficient to determine the role of this variant in disease. Therefore, it has been classified as a Variant of Uncertain Significance.

NM_000458.4(HNF1B):c.1525A>C (p.Asn509His)

Gene: HNF1B (HNF1 homeobox B; minus strand). Cytogenetic location: 17q12.
Variant type: single nucleotide variant.
Coding change: c.1525A>C on transcript NM_000458.4 (MANE Select); coding-DNA position 1525, A replaced by C.
Protein change: p.Asn509His; replaces asparagine 509 with histidine.
Molecular consequence: missense variant. On other transcripts: intron variant (1).
Genome position (GRCh38, 1-based): chr17:37,700,992, T>G on the plus strand (A>C on the coding strand, the complement: HNF1B is on the minus strand). VCF-style: chr17-37700992-T-G. GRCh37 (hg19) VCF-style: chr17-36060997-T-G.
Other names: c.1447A>C, p.Asn483His (NM_001165923.4); c.1525A>C, p.Asn509His (NM_001411100.1); c.1261+3925A>C (NM_001304286.2); short protein forms N509H, N483H.
Identifiers: ClinVar variation 2109362 (VCV002109362.5), dbSNP rs2511700041, ClinGen allele CA398754632.